The following is an entry in ClinVar:

NM_012213.3(MLYCD):c.*254C>G

Gene: MLYCD (malonyl-CoA decarboxylase; plus strand). Cytogenetic location: 16q23.3.
Variant type: single nucleotide variant.
Coding change: c.*254C>G on transcript NM_012213.3 (MANE Select); 254 bases downstream of the stop codon, C replaced by G.
Molecular consequence: 3 prime UTR variant.
Genome position (GRCh38, 1-based): chr16:83,915,743, C>G. VCF-style: chr16-83915743-C-G. GRCh37 (hg19) VCF-style: chr16-83949348-C-G.
Identifiers: ClinVar variation 887364 (VCV000887364.4), dbSNP rs375604861, ClinGen allele CA285430647.

ClinVar aggregate classification (germline): Benign (1 of 4 stars; one submission).

Conditions:
Deficiency of malonyl-CoA decarboxylase. Also called: Malonic aciduria; MCD deficiency. Identifiers: Orphanet 943, MedGen C0342793, MONDO:0009556, OMIM 248360.

Allele frequency attached by ClinVar (database versions not stated): gnomAD 0.00009 and 0.00057; TOPMed 0.00016; 1000 Genomes Project 30x 0.00297; 1000 Genomes Project 0.00339.
gnomAD v4.1: 1,518 of 1,371,646 alleles (0.11%); highest among the groups gnomAD compares: South Asian, 2%; 27 homozygotes.

Submission:

Illumina Laboratory Services, Illumina
Classification: Benign for Deficiency of malonyl-CoA decarboxylase. Last evaluated: 2018-01-13. Review status: criteria provided, single submitter. Criteria: ICSL Variant Classification Criteria 13 December 2019. Collection method: clinical testing. Allele origin: germline.
Comment: This variant was observed in the ICSL laboratory as part of a predisposition screen in an ostensibly healthy population. It had not been previously curated by ICSL or reported in the Human Gene Mutation Database (HGMD: prior to June 1st, 2018), and was therefore a candidate for classification through an automated scoring system. Utilizing variant allele frequency, disease prevalence and penetrance estimates, and inheritance mode, an automated score was calculated to assess if this variant is too frequent to cause the disease. Based on the score and internal cut-off values, a variant classified as benign is not then subjected to further curation. The score for this variant resulted in a classification of benign for this disease.